The following is an entry in ClinVar:

NM_000397.4(CYBB):c.90C>G (p.Tyr30Ter)

Gene: CYBB (cytochrome b-245 beta chain; plus strand). Cytogenetic location: Xp21.1.
Variant type: single nucleotide variant.
Coding change: c.90C>G on transcript NM_000397.4 (MANE Select); coding-DNA position 90, C replaced by G.
Protein change: p.Tyr30Ter; replaces tyrosine 30 with a stop codon.
Molecular consequence: nonsense.
Genome position (GRCh38, 1-based): chrX:37,782,132, C>G. VCF-style: chrX-37782132-C-G. GRCh37 (hg19) VCF-style: chrX-37641385-C-G.
Other names: short protein forms Y30*.
Identifiers: ClinVar variation 4850330 (VCV004850330.1).

ClinVar aggregate classification (germline): Likely pathogenic (1 of 4 stars; one submission).

Conditions:
X-linked Mendelian susceptibility to mycobacterial diseases due to CYBB deficiency. Also called: IMMUNODEFICIENCY 34; IMMUNODEFICIENCY 34, MYCOBACTERIOSIS, X-LINKED. Identifiers: Orphanet 319605, MedGen C1970859, MONDO:0010389, OMIM 300645.
Granulomatous disease, chronic, X-linked. Also called: CYTOCHROME b-NEGATIVE GRANULOMATOUS DISEASE, CHRONIC, X-LINKED; GRANULOMATOUS DISEASE, CHRONIC, X-LINKED, SOMATIC MOSAIC. Identifiers: Orphanet 379, MedGen C1844376, MONDO:0010600, OMIM 306400.

Submission:

First Genomix Gene Laboratory, Genetic Diagnostics Department
Classification: Likely pathogenic for Granulomatous disease, chronic, X-linked; X-linked Mendelian susceptibility to mycobacterial diseases due to CYBB deficiency. Last evaluated: 2025-09-18. Review status: criteria provided, single submitter. Criteria: ACMG Guidelines, 2015. Collection method: clinical testing. Allele origin: germline. Inheritance: X-linked recessive inheritance. Affected: no. Observed: 1 variant allele.